The following is an entry in ClinVar:

ClinVar aggregate classification (germline): Conflicting classifications of pathogenicity. Review status: criteria provided, conflicting classifications (1 of 4 stars). 5 submissions from 5 submitters: Likely pathogenic (3); Uncertain significance (2). Last evaluated 2026-01-12.

Conditions:
Breast-ovarian cancer, familial, susceptibility to, 3. Also called: RAD51C-Related Breast/Ovarian Cancer. Identifiers: Orphanet 145, MedGen C3150659, MONDO:0013253, OMIM 613399.
Hereditary cancer-predisposing syndrome. Also called: Neoplastic Syndromes, Hereditary; Hereditary neoplastic syndrome; Tumor predisposition; Hereditary Cancer Syndrome. Identifiers: Orphanet 140162, MedGen C0027672, MeSH D009386, MONDO:0015356.
Fanconi anemia complementation group O. Also called: RAD51C-Related Fanconi Anemia. Identifiers: Orphanet 84, MedGen C3150653, MONDO:0013248, OMIM 613390.

Submissions (5):

Labcorp Genetics (formerly Invitae), Labcorp
Classification: Likely pathogenic for Fanconi anemia complementation group O. Last evaluated: 2026-01-12. Review status: criteria provided, single submitter. Criteria: Invitae Variant Classification Sherloc (09022015). Collection method: clinical testing. Allele origin: germline.
Comment: This sequence change replaces arginine, which is basic and polar, with glycine, which is neutral and non-polar, at codon 312 of the RAD51C protein (p.Arg312Gly). RNA analysis indicates that this missense change induces altered splicing and may result in an absent or altered protein product. This variant is not present in population databases (gnomAD no frequency). This variant has not been reported in the literature in individuals affected with RAD51C-related conditions. ClinVar contains an entry for this variant (Variation ID: 665797). Invitae Evidence Modeling of protein sequence and biophysical properties (such as structural, functional, and spatial information, amino acid conservation, physicochemical variation, residue mobility, and thermodynamic stability) indicates that this missense variant is expected to disrupt RAD51C protein function with a positive predictive value of 80%. Studies have shown that this missense change results in skipping of exon 7, and produces a non-functional protein and/or introduces a premature termination codon (internal data). In summary, the currently available evidence indicates that the variant is pathogenic, but additional data are needed to prove that conclusively. Therefore, this variant has been classified as Likely Pathogenic.

Ambry Genetics
Classification: Likely pathogenic for Hereditary cancer-predisposing syndrome. Last evaluated: 2025-07-17. Review status: criteria provided, single submitter. Criteria: Ambry Variant Classification Scheme 2023. Collection method: clinical testing. Allele origin: germline.
Comment: The c.934C>G variant (also known as p.R312G), located in coding exon 7 of the RAD51C gene, results from a C to G substitution at nucleotide position 934. The arginine at codon 312 is replaced by glycine, an amino acid with dissimilar properties. This nucleotide position is well conserved in available vertebrate species. In silico splice site analysis predicts that this alteration may weaken the native splice acceptor site. RNA studies have demonstrated that this alteration results in abnormal splicing in the set of samples tested (Ambry internal data). Based on the majority of available evidence to date, this variant is likely to be pathogenic.

Myriad Genetics, Inc.
Classification: Likely pathogenic for Breast-ovarian cancer, familial, susceptibility to, 3. Last evaluated: 2024-09-19. Review status: criteria provided, single submitter. Criteria: Myriad Autosomal Dominant, Autosomal Recessive and X-Linked Classification Criteria (2023). Collection method: clinical testing. Allele origin: unknown.
Comment: This variant is considered likely pathogenic. mRNA analysis has demonstrated abnormal mRNA splicing occurs [Myriad internal data].

Baylor Genetics
Classification: Uncertain significance for Breast-ovarian cancer, familial, susceptibility to, 3. Last evaluated: 2023-12-25. Review status: criteria provided, single submitter. Criteria: ACMG Guidelines, 2015. Collection method: clinical testing. Allele origin: unknown.

GeneDx
Classification: Uncertain significance. Last evaluated: 2021-10-29. Review status: criteria provided, single submitter. Criteria: GeneDx Variant Classification Process June 2021. Collection method: clinical testing. Allele origin: germline. Affected: yes.
Comment: Has not been previously published as pathogenic or benign to our knowledge; Not observed at significant frequency in large population cohorts (Lek 2016); In silico analysis supports that this missense variant has a deleterious effect on protein structure/function; This variant is associated with the following publications: (PMID: 14704354)

NM_058216.3(RAD51C):c.934C>G (p.Arg312Gly)

Gene: RAD51C (RAD51 paralog C; plus strand). Cytogenetic location: 17q22.
Variant type: single nucleotide variant.
Coding change: c.934C>G on transcript NM_058216.3 (MANE Select); coding-DNA position 934, C replaced by G.
Protein change: p.Arg312Gly; replaces arginine 312 with glycine.
Molecular consequence: missense variant. On other transcripts: non-coding transcript variant (1).
Genome position (GRCh38, 1-based): chr17:58,724,069, C>G. VCF-style: chr17-58724069-C-G. GRCh37 (hg19) VCF-style: chr17-56801430-C-G.
Other names: short protein forms R312G.
Identifiers: ClinVar variation 665797 (VCV000665797.22), dbSNP rs730881932, ClinGen allele CA400361415.
Genomic context (GRCh38, chr17:58,724,069, plus strand): 5'-CATATACAGTTATTATGTTTTTTACTCTCAGGGGAAAGTTGGGGACATGCTGCTACAATA[C>G]GGCTAATCTTTCATTGGGACCGAAAGCAAAGGTCAGTACAGAAACAAGTTAATAACTCCG-3'
Protein context (NP_478123.1, residues 302-322): GESWGHAATI[Arg312Gly]LIFHWDRKQR